The following is an entry in ClinVar:

NM_021971.4(GMPPB):c.741C>T (p.Gly247=)

Gene: GMPPB (GDP-mannose pyrophosphorylase B; minus strand). Cytogenetic location: 3p21.31.
Variant type: single nucleotide variant.
Coding change: c.741C>T on transcript NM_021971.4 (MANE Select); coding-DNA position 741, C replaced by T.
Protein change: p.Gly247=; no amino-acid change (glycine 247 retained).
Molecular consequence: synonymous variant.
Genome position (GRCh38, 1-based): chr3:49,722,258, G>A on the plus strand (C>T on the coding strand, the complement: GMPPB is on the minus strand). VCF-style: chr3-49722258-G-A. GRCh37 (hg19) VCF-style: chr3-49759691-G-A.
Other names: c.741C>T, p.Gly247= (NM_013334.4).
Identifiers: ClinVar variation 1427675 (VCV001427675.8), dbSNP rs2108211246, ClinGen allele CA433850713.

ClinVar aggregate classification (germline): Uncertain significance (1 of 4 stars; one submission).

Conditions:
Muscular dystrophy-dystroglycanopathy (congenital with impaired intellectual development), type B, 14. Also called: Congenital muscular dystrophy-dystroglycanopathy with mental retardation, type B14; Muscular dystrophy-dystroglycanopathy (congenital with intellectual disability), type B14; MUSCULAR DYSTROPHY, CONGENITAL, GMPPB-RELATED. Identifiers: MedGen C3809221, MONDO:0014141, OMIM 615351.
Autosomal recessive limb-girdle muscular dystrophy type 2T. Also called: Limb-girdle muscular dystrophy-dystroglycanopathy, type C14; MUSCULAR DYSTROPHY-DYSTROGLYCANOPATHY, LIMB-GIRDLE, GMPPB-RELATED; MUSCULAR DYSTROPHY, LIMB-GIRDLE, TYPE 2T; Muscular dystrophy-dystroglycanopathy (limb-girdle), type c, 14. Identifiers: Orphanet 363623, MedGen C4518000, MONDO:0014142, OMIM 615352.
Muscular dystrophy-dystroglycanopathy (congenital with brain and eye anomalies), type A14. Also called: Congenital muscular dystrophy-dystroglycanopathy with brain and eye anomalies, type A14; WALKER-WARBURG SYNDROME OR MUSCLE-EYE-BRAIN DISEASE, GMPPB-RELATED; Muscular dystrophy-dystroglycanopathy (congenital with brain and eye anomalies), type a, 14; Congenital Muscular Dystrophy-Dystroglycanopathy with Brain and Eye Anomalies Type A 14. Identifiers: Orphanet 588, MedGen C3809216, MONDO:0014140, OMIM 615350.

Submission:

Labcorp Genetics (formerly Invitae), Labcorp
Classification: Uncertain significance for Autosomal recessive limb-girdle muscular dystrophy type 2T; Muscular dystrophy-dystroglycanopathy (congenital with brain and eye anomalies), type A14; Muscular dystrophy-dystroglycanopathy (congenital with impaired intellectual development), type B, 14. Last evaluated: 2022-02-08. Review status: criteria provided, single submitter. Criteria: Invitae Variant Classification Sherloc (09022015). Collection method: clinical testing. Allele origin: germline.
Comment: This sequence change affects codon 247 of the GMPPB mRNA. It is a 'silent' change, meaning that it does not change the encoded amino acid sequence of the GMPPB protein. In summary, the available evidence is currently insufficient to determine the role of this variant in disease. Therefore, it has been classified as a Variant of Uncertain Significance. Algorithms developed to predict the effect of sequence changes on RNA splicing suggest that this variant may create or strengthen a splice site. This variant has not been reported in the literature in individuals affected with GMPPB-related conditions. This variant is not present in population databases (gnomAD no frequency).